The following is an entry in ClinVar:

NM_000059.4(BRCA2):c.3839A>T (p.Asp1280Val)

Gene: BRCA2 (BRCA2 DNA repair associated; plus strand). Cytogenetic location: 13q13.1.
Variant type: single nucleotide variant.
Coding change: c.3839A>T on transcript NM_000059.4 (MANE Select); coding-DNA position 3839, A replaced by T.
Protein change: p.Asp1280Val; replaces aspartic acid 1280 with valine.
Molecular consequence: missense variant.
Genome position (GRCh38, 1-based): chr13:32,338,194, A>T. VCF-style: chr13-32338194-A-T. GRCh37 (hg19) VCF-style: chr13-32912331-A-T.
Other names: p.D1280V:GAT>GTT; 4067A>T; short protein forms D1280V.
Identifiers: ClinVar variation 51537 (VCV000051537.37), dbSNP rs56337919, ClinGen allele CA018906.
Genomic context (GRCh38, chr13:32,338,194, plus strand): 5'-TATCTTCAAGTAAATGTCATGATTCTGTTGTTTCAATGTTTAAGATAGAAAATCATAATG[A>T]TAAAACTGTAAGTGAAAAAAATAATAAATGCCAACTGATATTACAAAATAATATTGAAAT-3'
Protein context (NP_000050.3, residues 1270-1290): VSMFKIENHN[Asp1280Val]KTVSEKNNKC

ClinVar aggregate classification (germline): Benign. Review status: reviewed by expert panel (3 of 4 stars). 17 submissions from 17 submitters: Benign (1). 16 of the submissions do not count toward it. Last evaluated 2015-08-10.

Conditions:
BRCA2-related cancer predisposition. Identifiers: MedGen CN377758, MONDO:0700269.
Hereditary cancer-predisposing syndrome. Also called: Neoplastic Syndromes, Hereditary; Tumor predisposition; Hereditary Cancer Syndrome; Hereditary neoplastic syndrome. Identifiers: Orphanet 140162, MedGen C0027672, MeSH D009386, MONDO:0015356.
Hereditary breast ovarian cancer syndrome. Also called: Breast and ovarian cancer; BRCA1- and BRCA2-Associated Hereditary Breast and Ovarian Cancer; Hereditary breast and ovarian cancer syndrome; Hereditary breast and/or ovarian cancer syndrome; Hereditary breast and ovarian cancer syndrome (HBOC); Hereditary breast and ovarian cancer. Identifiers: Orphanet 145, MedGen C0677776, MeSH D061325, MONDO:0003582. Disease mechanism: loss of function.
Breast-ovarian cancer, familial, susceptibility to, 2 (BROVCA2). Also called: BRCA2 Hereditary Breast and Ovarian Cancer. Identifiers: Orphanet 145, MedGen C2675520, MONDO:0012933, OMIM 612555. Disease mechanism: loss of function.

Allele frequency attached by ClinVar (database versions not stated): gnomAD exomes 0.00005 and 0.00003; gnomAD 0.00006 and 0.00007; TOPMed 0.00010; ExAC 0.00001.

Submissions (17):

Evidence-based Network for the Interpretation of Germline Mutant Alleles (ENIGMA)
Classification: Benign for Breast-ovarian cancer, familial 2. Last evaluated: 2015-08-10. Review status: reviewed by expert panel. Criteria: ENIGMA BRCA1/2 Classification Criteria (2015). Collection method: curation. Allele origin: germline.
Comment: IARC class based on posterior probability from multifactorial likelihood analysis, thresholds for class as per Plon et al. 2008 (PMID: 18951446). Class 1 based on posterior probability = 0.0000286

Labcorp Genetics (formerly Invitae), Labcorp
Classification: Benign for Hereditary breast ovarian cancer syndrome. Last evaluated: 2026-02-03. Review status: criteria provided, single submitter. Criteria: Invitae Variant Classification Sherloc (09022015). Collection method: clinical testing. Allele origin: germline. Not counted in ClinVar's aggregate classification.

ARUP Laboratories, Molecular Genetics and Genomics, ARUP Laboratories
Classification: Benign. Last evaluated: 2025-05-31. Review status: criteria provided, single submitter. Criteria: ARUP Molecular Germline Variant Investigation Process 2024. Collection method: clinical testing. Allele origin: germline. Not counted in ClinVar's aggregate classification.

Center for Genomic Medicine, Rigshospitalet, Copenhagen University Hospital
Classification: Benign. Last evaluated: 2025-03-04. Review status: criteria provided, single submitter. Criteria: ACMG Guidelines, 2015. Collection method: clinical testing. Allele origin: germline. Not counted in ClinVar's aggregate classification.

Blueprint Genetics
Classification: Likely benign. Last evaluated: 2024-08-08. Review status: criteria provided, single submitter. Criteria: ACMG Guidelines, 2015. Collection method: clinical testing. Allele origin: germline. Not counted in ClinVar's aggregate classification.

Department of Pathology and Laboratory Medicine, Sinai Health System
Classification: Likely benign for BRCA2-related cancer predisposition. Last evaluated: 2023-09-22. Review status: criteria provided, single submitter. Criteria: ACMG Guidelines, 2015. Collection method: clinical testing. Allele origin: germline. Affected: no. Not counted in ClinVar's aggregate classification.

Genetic Services Laboratory, University of Chicago
Classification: Likely benign. Last evaluated: 2021-12-17. Review status: criteria provided, single submitter. Criteria: ACMG Guidelines, 2015. Collection method: clinical testing. Allele origin: germline. Affected: no. Not counted in ClinVar's aggregate classification.

Sema4
Classification: Likely benign for Hereditary cancer-predisposing syndrome. Last evaluated: 2020-12-28. Review status: criteria provided, single submitter. Criteria: Sema4 Curation Guidelines. Collection method: curation. Allele origin: germline. Not counted in ClinVar's aggregate classification.

GeneDx
Classification: Likely benign. Last evaluated: 2020-12-18. Review status: criteria provided, single submitter. Criteria: GeneDx Variant Classification Process June 2021. Collection method: clinical testing. Allele origin: germline. Affected: yes. Not counted in ClinVar's aggregate classification.
Comment: In silico analysis, which includes protein predictors and evolutionary conservation, supports a deleterious effect; This variant is associated with the following publications: (PMID: 24323938, 11698567, 17924331, 21990134)

Women's Health and Genetics/Laboratory Corporation of America, LabCorp
Classification: Benign. Last evaluated: 2020-08-31. Review status: criteria provided, single submitter. Criteria: LabCorp Variant Classification Summary - May 2015. Collection method: clinical testing. Allele origin: germline. Not counted in ClinVar's aggregate classification.
Comment: Variant summary: BRCA2 c.3839A>T (p.Asp1280Val) results in a non-conservative amino acid change in the encoded protein sequence. Three of five in-silico tools predict a benign effect of the variant on protein function. The variant allele was found at a frequency of 2.8e-05 in 212168 control chromosomes. The available data on variant occurrences in the general population are insufficient to allow any conclusion about variant significance. The variant, c.3839A>T has been reported in the literature in sequencing studies of individuals with high risk breast cancer as well as in an unaffected individual (Lu_2012, Carney_2010) in addition to sequencing studies of patients undergoing cancer screening for varied indications (example, Easton_2007, DeLeeneer_2008, Seymour_2008, Hartman_2001, Machackova_2019). These reports do not provide unequivocal conclusions regarding the association of this variant with Hereditary Breast And Ovarian Cancer Syndrome. At-least one co-occurrence with another pathogenic variant has been observed at our laboratory (BRCA1 c.66dupA, p.Glu23fsX18), providing additional supporting evidence for a benign role. To our knowledge, no experimental evidence demonstrating an impact on protein function has been reported. Five clinical diagnostic laboratories and one expert panel (ENIGMA) have submitted clinical-significance assessments for this variant to ClinVar after 2014 without evidence for independent evaluation. All submitters classified the variant as benign (n=4)/likely benign(n=2). Some submitters cite overlapping evidence utilized in the context of this evaluation. We have not identified any evidence supporting an actionable outcome in over 5 years since its initial classification by our laboratory. Based on the evidence outlined above, and the predominant consensus in the field, the variant was classified as benign.

PreventionGenetics, part of Exact Sciences
Classification: Likely benign. Last evaluated: 2017-06-15. Review status: criteria provided, single submitter. Criteria: ACMG Guidelines, 2015. Collection method: clinical testing. Allele origin: germline. Not counted in ClinVar's aggregate classification.

Color Diagnostics, LLC DBA Color Health
Classification: Benign for Hereditary cancer-predisposing syndrome. Last evaluated: 2016-05-02. Review status: criteria provided, single submitter. Criteria: ACMG Guidelines, 2015. Collection method: clinical testing. Allele origin: germline. Not counted in ClinVar's aggregate classification.

Ambry Genetics
Classification: Benign for Hereditary cancer-predisposing syndrome. Last evaluated: 2014-11-19. Review status: criteria provided, single submitter. Criteria: Ambry Variant Classification Scheme 2023. Collection method: clinical testing. Allele origin: germline. Not counted in ClinVar's aggregate classification.

BRCAlab, Lund University
Classification: Benign for Breast-ovarian cancer, familial, susceptibility to, 2. Last evaluated: 2020-03-02. Review status: no assertion criteria provided. Collection method: clinical testing. Allele origin: germline. Affected: yes. Not counted in ClinVar's aggregate classification.

Counsyl
Classification: Benign for Breast-ovarian cancer, familial, susceptibility to, 2. Last evaluated: 2015-12-01. Review status: no assertion criteria provided. Collection method: clinical testing. Allele origin: unknown. Not counted in ClinVar's aggregate classification.

Sharing Clinical Reports Project (SCRP)
Classification: Benign for Breast-ovarian cancer, familial 2. Last evaluated: 2009-10-22. Review status: no assertion criteria provided. Collection method: clinical testing. Allele origin: germline. Not counted in ClinVar's aggregate classification.

Breast Cancer Information Core (BIC) (BRCA2)
Classification: Uncertain significance for Breast-ovarian cancer, familial 2. Last evaluated: 2002-05-29. Review status: no assertion criteria provided. Collection method: clinical testing. Allele origin: germline. Affected: yes. Observed: 12 variant alleles. Not counted in ClinVar's aggregate classification.

Literature cited by the submitters: PubMed 21990134 (cited by 4 submitters); PubMed 17924331 (cited by 3 submitters); PubMed 18092194 (cited by 3 submitters); PubMed 11698567 (cited by 3 submitters); PubMed 22476429 (cited by 3 submitters); PubMed 24323938 (cited by Women's Health and Genetics/Laboratory Corporation of America, LabCorp); PubMed 21218378 (cited by Women's Health and Genetics/Laboratory Corporation of America, LabCorp and Counsyl); PubMed 18403564 (cited by Women's Health and Genetics/Laboratory Corporation of America, LabCorp); PubMed 25348012 (cited by Women's Health and Genetics/Laboratory Corporation of America, LabCorp); PubMed 29580235 (cited by Women's Health and Genetics/Laboratory Corporation of America, LabCorp); PubMed 31409081 (cited by Women's Health and Genetics/Laboratory Corporation of America, LabCorp).